The following is an entry in ClinVar:

ClinVar aggregate classification (germline): Benign/Likely benign. Review status: criteria provided, multiple submitters, no conflicts (2 of 4 stars). 3 submissions from 3 submitters: Benign (1); Likely benign (2). Last evaluated 2026-01-29.

Conditions:
POLD1-related polyposis and colorectal cancer syndrome (CRCS10). Also called: Colorectal cancer, susceptibility to, 10; Colorectal cancer 10; COLORECTAL CANCER, SUSCEPTIBILITY TO, ON CHROMOSOME 19q. Identifiers: Orphanet 220460, MedGen C2675481, MONDO:0012953, OMIM 612591.

Allele frequency attached by ClinVar (database versions not stated): gnomAD 0.00011 and 0.00006; ESP Exome Variant Server 0.00008; TOPMed 0.00011; 1000 Genomes Project 30x 0.00016; gnomAD exomes 0.00017; 1000 Genomes Project 0.00020; ExAC 0.00039.
gnomAD v4.1: 264 of 1,585,334 alleles (0.017%); highest among the groups gnomAD compares: East Asian, 0.53%; 3 homozygotes.

Submissions (3):

Labcorp Genetics (formerly Invitae), Labcorp
Classification: Benign for POLD1-related polyposis and colorectal cancer syndrome. Last evaluated: 2026-01-29. Review status: criteria provided, single submitter. Criteria: Invitae Variant Classification Sherloc (09022015). Collection method: clinical testing. Allele origin: germline.

Blueprint Genetics
Classification: Likely benign. Last evaluated: 2023-08-23. Review status: criteria provided, single submitter. Criteria: ACMG Guidelines, 2015. Collection method: clinical testing. Allele origin: germline.

GeneDx
Classification: Likely benign. Last evaluated: 2017-07-03. Review status: criteria provided, single submitter. Criteria: GeneDx Variant Classification (06012015). Collection method: clinical testing. Allele origin: germline. Affected: yes.
Comment: This variant is considered likely benign or benign based on one or more of the following criteria: it is a conservative change, it occurs at a poorly conserved position in the protein, it is predicted to be benign by multiple in silico algorithms, and/or has population frequency not consistent with disease.

NM_002691.4(POLD1):c.3121-15C>T

Gene: POLD1 (DNA polymerase delta 1, catalytic subunit; plus strand). Cytogenetic location: 19q13.33.
Variant type: single nucleotide variant.
Coding change: c.3121-15C>T on transcript NM_002691.4 (MANE Select); 15 bases into the intron before coding-DNA position 3121, C replaced by T.
Molecular consequence: intron variant.
Genome position (GRCh38, 1-based): chr19:50,417,157, C>T. VCF-style: chr19-50417157-C-T. GRCh37 (hg19) VCF-style: chr19-50920414-C-T.
Other names: c.3199-15C>T (LRG_785t2, NM_001308632.1); c.3121-15C>T (LRG_785t1, NM_001256849.1).
Identifiers: ClinVar variation 385594 (VCV000385594.10), dbSNP rs2272323, ClinGen allele CA9596765.